The following is an entry in ClinVar:

NM_024675.4(PALB2):c.2332A>G (p.Ser778Gly)

Gene: PALB2 (partner and localizer of BRCA2; minus strand). Cytogenetic location: 16p12.2.
Variant type: single nucleotide variant.
Coding change: c.2332A>G on transcript NM_024675.4 (MANE Select); coding-DNA position 2332, A replaced by G.
Protein change: p.Ser778Gly; replaces serine 778 with glycine.
Molecular consequence: missense variant.
Genome position (GRCh38, 1-based): chr16:23,629,822, T>C on the plus strand (A>G on the coding strand, the complement: PALB2 is on the minus strand). VCF-style: chr16-23629822-T-C. GRCh37 (hg19) VCF-style: chr16-23641143-T-C.
Other names: short protein forms S778G.
Identifiers: ClinVar variation 569637 (VCV000569637.14), dbSNP rs1567217583, ClinGen allele CA395125032.
Genomic context (GRCh38, chr16:23,629,822, plus strand): 5'-GTTGTCCTTGCCTGCCTGACACTTGCAGGGTGGTATGTGGTTTTGCTGGGCTGCCTGAAC[T>C]GTCGAATTGTTTAGTATCACTGGCAAGACAGACTGAGTCTTTCAAATGAGCAAGTTGGGG-3'
Protein context (NP_078951.2, residues 768-788): CLASDTKQFD[Ser778Gly]SGSPAKPHTT

ClinVar aggregate classification (germline): Uncertain significance. Review status: criteria provided, multiple submitters, no conflicts (2 of 4 stars). 3 submissions from 3 submitters: Uncertain significance (3). Last evaluated 2025-10-13.

Conditions:
Hereditary cancer-predisposing syndrome. Also called: Hereditary neoplastic syndrome; Tumor predisposition; Neoplastic Syndromes, Hereditary; Hereditary Cancer Syndrome. Identifiers: Orphanet 140162, MedGen C0027672, MeSH D009386, MONDO:0015356.
Familial cancer of breast. Also called: hereditary breast carcinoma; BREAST CANCER, FAMILIAL; Hereditary breast cancer. Identifiers: Orphanet 227535, MedGen C0346153, MONDO:0016419, OMIM 114480. Disease mechanism: loss of function.

Allele frequency attached by ClinVar (database versions not stated): gnomAD exomes below 0.00001.
gnomAD v4.1: 1 of 1,614,222 alleles (0.000062%); highest among the groups gnomAD compares: Non-Finnish European, 0.000085%; no homozygotes.

Submissions (3):

Labcorp Genetics (formerly Invitae), Labcorp
Classification: Uncertain significance for Familial cancer of breast. Last evaluated: 2025-10-13. Review status: criteria provided, single submitter. Criteria: Invitae Variant Classification Sherloc (09022015). Collection method: clinical testing. Allele origin: germline.
Comment: This sequence change replaces serine, which is neutral and polar, with glycine, which is neutral and non-polar, at codon 778 of the PALB2 protein (p.Ser778Gly). This variant is not present in population databases (gnomAD no frequency). This variant has not been reported in the literature in individuals affected with PALB2-related conditions. ClinVar contains an entry for this variant (Variation ID: 569637). Invitae Evidence Modeling of protein sequence and biophysical properties (such as structural, functional, and spatial information, amino acid conservation, physicochemical variation, residue mobility, and thermodynamic stability) indicates that this missense variant is not expected to disrupt PALB2 protein function with a negative predictive value of 80%. In summary, the available evidence is currently insufficient to determine the role of this variant in disease. Therefore, it has been classified as a Variant of Uncertain Significance.

Ambry Genetics
Classification: Uncertain significance for Hereditary cancer-predisposing syndrome. Last evaluated: 2025-10-12. Review status: criteria provided, single submitter. Criteria: Ambry Variant Classification Scheme 2023. Collection method: clinical testing. Allele origin: germline.
Comment: The p.S778G variant (also known as c.2332A>G), located in coding exon 5 of the PALB2 gene, results from an A to G substitution at nucleotide position 2332. The serine at codon 778 is replaced by glycine, an amino acid with similar properties. This amino acid position is not well conserved in available vertebrate species. In addition, this alteration is predicted to be tolerated by in silico analysis. Since supporting evidence is limited at this time, the clinical significance of this alteration remains unclear.

Color Diagnostics, LLC DBA Color Health
Classification: Uncertain significance for Hereditary cancer-predisposing syndrome. Last evaluated: 2024-03-06. Review status: criteria provided, single submitter. Criteria: ACMG Guidelines, 2015. Collection method: clinical testing. Allele origin: germline.
Comment: This missense variant replaces serine with glycine at codon 778 of the PALB2 protein. Computational prediction suggests that this variant may not impact protein structure and function (internally defined REVEL score threshold <= 0.5, PMID: 27666373). To our knowledge, functional studies have not been reported for this variant. This variant has not been reported in individuals affected with hereditary cancer in the literature. This variant has not been identified in the general population by the Genome Aggregation Database (gnomAD). The available evidence is insufficient to determine the role of this variant in disease conclusively. Therefore, this variant is classified as a Variant of Uncertain Significance.